The following is an entry in ClinVar:

NM_000540.3(RYR1):c.12763G>A (p.Gly4255Ser)

Gene: RYR1 (ryanodine receptor 1; plus strand). Cytogenetic location: 19q13.2.
Variant type: single nucleotide variant.
Coding change: c.12763G>A on transcript NM_000540.3 (MANE Select); coding-DNA position 12763, G replaced by A.
Protein change: p.Gly4255Ser; replaces glycine 4255 with serine.
Molecular consequence: missense variant.
Genome position (GRCh38, 1-based): chr19:38,565,097, G>A. VCF-style: chr19-38565097-G-A. GRCh37 (hg19) VCF-style: chr19-39055737-G-A.
Other names: c.12748G>A, p.Gly4250Ser (NM_001042723.2); short protein forms G4250S, G4255S.
Identifiers: ClinVar variation 847137 (VCV000847137.9), dbSNP rs1973329419, ClinGen allele CA405671102.
Genomic context (GRCh38, chr19:38,565,097, plus strand): 5'-AGTTTCTGCGAGGACACCATCTTCGAGATGCAGATCGCCGCGCAGATCTCGGAGCCCGAG[G>A]GCGAGCCGGAGACCGACGAGGACGAGGGCGCGGGCGCGGCGGAGGCGGGCGCGGAAGGCG-3'
Protein context (NP_000531.2, residues 4245-4265): QIAAQISEPE[Gly4255Ser]EPETDEDEGA

ClinVar aggregate classification (germline): Uncertain significance (1 of 4 stars; one submission).

Conditions:
RYR1-related disorder. Also called: RYR1-related disorders; RYR1-related condition. Identifiers: MedGen CN239331.

Submission:

Labcorp Genetics (formerly Invitae), Labcorp
Classification: Uncertain significance for RYR1-related disorder. Last evaluated: 2022-06-20. Review status: criteria provided, single submitter. Criteria: Invitae Variant Classification Sherloc (09022015). Collection method: clinical testing. Allele origin: germline.
Comment: In summary, the available evidence is currently insufficient to determine the role of this variant in disease. Therefore, it has been classified as a Variant of Uncertain Significance. Advanced modeling of protein sequence and biophysical properties (such as structural, functional, and spatial information, amino acid conservation, physicochemical variation, residue mobility, and thermodynamic stability) performed at Invitae indicates that this missense variant is not expected to disrupt RYR1 protein function. ClinVar contains an entry for this variant (Variation ID: 847137). This variant has not been reported in the literature in individuals affected with RYR1-related conditions. This variant is not present in population databases (gnomAD no frequency). This sequence change replaces glycine, which is neutral and non-polar, with serine, which is neutral and polar, at codon 4255 of the RYR1 protein (p.Gly4255Ser).